The following is an entry in ClinVar:

NM_015425.6(POLR1A):c.4322A>G (p.Asp1441Gly)

Gene: POLR1A (RNA polymerase I subunit A; minus strand). Cytogenetic location: 2p11.2.
Variant type: single nucleotide variant.
Coding change: c.4322A>G on transcript NM_015425.6 (MANE Select); coding-DNA position 4322, A replaced by G.
Protein change: p.Asp1441Gly; replaces aspartic acid 1441 with glycine.
Molecular consequence: missense variant.
Genome position (GRCh38, 1-based): chr2:86,031,586, T>C on the plus strand (A>G on the coding strand, the complement: POLR1A is on the minus strand). VCF-style: chr2-86031586-T-C. GRCh37 (hg19) VCF-style: chr2-86258709-T-C.
Other names: short protein forms D1441G.
Identifiers: ClinVar variation 2052274 (VCV002052274.4), dbSNP rs1672394923, ClinGen allele CA347546937.

ClinVar aggregate classification (germline): Uncertain significance (1 of 4 stars; one submission).

Allele frequency attached by ClinVar (database versions not stated): TOPMed 0.00001.

Submission:

Labcorp Genetics (formerly Invitae), Labcorp
Classification: Uncertain significance. Last evaluated: 2021-12-29. Review status: criteria provided, single submitter. Criteria: Invitae Variant Classification Sherloc (09022015). Collection method: clinical testing. Allele origin: germline.
Comment: In summary, the available evidence is currently insufficient to determine the role of this variant in disease. Therefore, it has been classified as a Variant of Uncertain Significance. Algorithms developed to predict the effect of missense changes on protein structure and function are either unavailable or do not agree on the potential impact of this missense change (SIFT: "Not Available"; PolyPhen-2: "Benign"; Align-GVGD: "Not Available"). This variant has not been reported in the literature in individuals affected with POLR1A-related conditions. This variant is not present in population databases (gnomAD no frequency). This sequence change replaces aspartic acid, which is acidic and polar, with glycine, which is neutral and non-polar, at codon 1441 of the POLR1A protein (p.Asp1441Gly).